The following is an entry in ClinVar:

NM_004336.5(BUB1):c.2991C>G (p.Cys997Trp)

Gene: BUB1 (BUB1 mitotic checkpoint serine/threonine kinase; minus strand). Cytogenetic location: 2q13.
Variant type: single nucleotide variant.
Coding change: c.2991C>G on transcript NM_004336.5 (MANE Select); coding-DNA position 2991, C replaced by G.
Protein change: p.Cys997Trp; replaces cysteine 997 with tryptophan.
Molecular consequence: missense variant.
Genome position (GRCh38, 1-based): chr2:110,639,813, G>C on the plus strand (C>G on the coding strand, the complement: BUB1 is on the minus strand). VCF-style: chr2-110639813-G-C. GRCh37 (hg19) VCF-style: chr2-111397390-G-C.
Other names: c.2931C>G, p.Cys977Trp (NM_001278616.2); c.2820C>G, p.Cys940Trp (NM_001278617.2); short protein forms C977W, C997W, C940W.
Identifiers: ClinVar variation 2560894 (VCV002560894.2), dbSNP rs2467967182, ClinGen allele CA348088825.

ClinVar aggregate classification (germline): Uncertain significance (1 of 4 stars; one submission).

Allele frequency attached by ClinVar (database versions not stated): gnomAD exomes below 0.00001.
gnomAD v4.1: 2 of 1,614,050 alleles (0.00012%); highest among the groups gnomAD compares: Non-Finnish European, 0.00017%; no homozygotes.

Submission:

Ambry Genetics
Classification: Uncertain significance. Last evaluated: 2023-05-08. Review status: criteria provided, single submitter. Criteria: Ambry Variant Classification Scheme 2023. Collection method: clinical testing. Allele origin: germline.
Comment: The p.C997W variant (also known as c.2991C>G), located in coding exon 24 of the BUB1 gene, results from a C to G substitution at nucleotide position 2991. The cysteine at codon 997 is replaced by tryptophan, an amino acid with highly dissimilar properties. This amino acid position is conserved. In addition, the in silico prediction for this alteration is inconclusive. Since supporting evidence is limited at this time, the clinical significance of this alteration remains unclear.